The following is an entry in ClinVar:

NM_175634.3(RUNX1T1):c.620C>T (p.Pro207Leu)

Gene: RUNX1T1 (RUNX1 partner transcriptional co-repressor 1; minus strand). Cytogenetic location: 8q21.3.
Variant type: single nucleotide variant.
Coding change: c.620C>T on transcript NM_175634.3 (MANE Select); coding-DNA position 620, C replaced by T.
Protein change: p.Pro207Leu; replaces proline 207 with leucine.
Molecular consequence: missense variant.
Genome position (GRCh38, 1-based): chr8:92,005,236, G>A on the plus strand (C>T on the coding strand, the complement: RUNX1T1 is on the minus strand). VCF-style: chr8-92005236-G-A. GRCh37 (hg19) VCF-style: chr8-93017464-G-A.
Other names: c.539C>T, p.Pro180Leu (NM_001198625.2, NM_001198632.2, NM_004349.4); c.620C>T, p.Pro207Leu (NM_001198626.2, NM_001198627.2, NM_001198628.2 and 3 more transcripts); c.560C>T, p.Pro187Leu (NM_001198633.2); c.653C>T, p.Pro218Leu (NM_001198634.2); c.797C>T, p.Pro266Leu (NM_001198679.3); c.704C>T, p.Pro235Leu (NM_001395209.1); c.509C>T, p.Pro170Leu (NM_175635.3, NM_175636.2); short protein forms P170L, P180L, P187L, P207L, P218L, P235L, P266L.
Identifiers: ClinVar variation 3381427 (VCV003381427.1).

ClinVar aggregate classification (germline): Uncertain significance (1 of 4 stars; one submission).

Submission:

GeneDx
Classification: Uncertain significance. Last evaluated: 2022-05-27. Review status: criteria provided, single submitter. Criteria: GeneDx Variant Classification Process June 2021. Collection method: clinical testing. Allele origin: germline. Affected: yes.
Comment: Not observed at significant frequency in large population cohorts (gnomAD); In silico analysis supports that this missense variant has a deleterious effect on protein structure/function; Has not been previously published as pathogenic or benign to our knowledge; Variants in candidate genes are classified as variants of uncertain significance in accordance with ACMG guidelines (Richards et al., 2015)